The following is an entry in ClinVar:

NM_003823.4(TNFRSF6B):c.260G>A (p.Arg87His)

Genes: RTEL1-TNFRSF6B (RTEL1-TNFRSF6B readthrough (NMD candidate); plus strand), TNFRSF6B (TNF receptor superfamily member 6b; plus strand). Cytogenetic location: 20q13.33.
Variant type: single nucleotide variant.
Coding change: c.260G>A on transcript NM_003823.4 (MANE Select); coding-DNA position 260, G replaced by A.
Protein change: p.Arg87His; replaces arginine 87 with histidine.
Molecular consequence: missense variant. On other transcripts: non-coding transcript variant (1).
Genome position (GRCh38, 1-based): chr20:63,697,027, G>A. VCF-style: chr20-63697027-G-A. GRCh37 (hg19) VCF-style: chr20-62328380-G-A.
Other names: short protein forms R87H.
Identifiers: ClinVar variation 4750013 (VCV004750013.1).
Genomic context (GRCh38, chr20:63,697,027, plus strand): 5'-CCACGACGTGTGGCCCGTGTCCACCGCGCCACTACACGCAGTTCTGGAACTACCTAGAGC[G>A]CTGCCGCTACTGCAACGTCCTCTGCGGGGAGCGTGAGGAGGAGGCACGGGCTTGCCACGC-3'
Protein context (NP_003814.1, residues 77-97): HYTQFWNYLE[Arg87His]CRYCNVLCGE

ClinVar aggregate classification (germline): Uncertain significance (1 of 4 stars; one submission).

Submission:

Labcorp Genetics (formerly Invitae), Labcorp
Classification: Uncertain significance. Last evaluated: 2025-12-09. Review status: criteria provided, single submitter. Criteria: Invitae Variant Classification Sherloc (09022015). Collection method: clinical testing. Allele origin: germline.
Comment: This sequence change replaces arginine, which is basic and polar, with histidine, which is basic and polar, at codon 87 of the TNFRSF6B protein (p.Arg87His). This variant is present in population databases (rs200687201, gnomAD 0.1%), and has an allele count higher than expected for a pathogenic variant. This variant has not been reported in the literature in individuals affected with TNFRSF6B-related conditions. An algorithm developed to predict the effect of missense changes on protein structure and function outputs the following: PolyPhen-2: "Probably Damaging". The histidine amino acid residue is found in multiple mammalian species, which suggests that this missense change does not adversely affect protein function. In summary, the available evidence is currently insufficient to determine the role of this variant in disease. Therefore, it has been classified as a Variant of Uncertain Significance.